The following is an entry in ClinVar:

NM_016169.4(SUFU):c.565C>A (p.Gln189Lys)

Gene: SUFU (SUFU negative regulator of hedgehog signaling; plus strand). Cytogenetic location: 10q24.32.
Variant type: single nucleotide variant.
Coding change: c.565C>A on transcript NM_016169.4 (MANE Select); coding-DNA position 565, C replaced by A.
Protein change: p.Gln189Lys; replaces glutamine 189 with lysine.
Molecular consequence: missense variant.
Genome position (GRCh38, 1-based): chr10:102,592,692, C>A. VCF-style: chr10-102592692-C-A. GRCh37 (hg19) VCF-style: chr10-104352449-C-A.
Other names: c.565C>A, p.Gln189Lys (NM_001178133.2); short protein forms Q189K.
Identifiers: ClinVar variation 3963875 (VCV003963875.1).

ClinVar aggregate classification (germline): Uncertain significance (1 of 4 stars; one submission).

Conditions:
Hereditary cancer-predisposing syndrome. Also called: Tumor predisposition; Hereditary neoplastic syndrome; Hereditary Cancer Syndrome; Neoplastic Syndromes, Hereditary. Identifiers: Orphanet 140162, MedGen C0027672, MeSH D009386, MONDO:0015356.

Submission:

Ambry Genetics
Classification: Uncertain significance for Hereditary cancer-predisposing syndrome. Last evaluated: 2025-06-10. Review status: criteria provided, single submitter. Criteria: Ambry Variant Classification Scheme 2023. Collection method: clinical testing. Allele origin: germline.
Comment: The p.Q189K variant (also known as c.565C>A), located in coding exon 4 of the SUFU gene, results from a C to A substitution at nucleotide position 565. The glutamine at codon 189 is replaced by lysine, an amino acid with similar properties. This amino acid position is conserved. In addition, this alteration is predicted to be tolerated by in silico analysis. Based on the available evidence, the clinical significance of this variant remains unclear.